The following is an entry in ClinVar:

ClinVar aggregate classification (germline): Uncertain significance (1 of 4 stars; one submission).

Conditions:
DICER1-related tumor predisposition. Also called: DICER1 syndrome; DICER1-related pleuropulmonary blastoma cancer predisposition syndrome. Identifiers: Orphanet 284343, MedGen C3839822, MONDO:0100216.

Submission:

Labcorp Genetics (formerly Invitae), Labcorp
Classification: Uncertain significance for DICER1-related tumor predisposition. Last evaluated: 2022-06-18. Review status: criteria provided, single submitter. Criteria: Invitae Variant Classification Sherloc (09022015). Collection method: clinical testing. Allele origin: germline.
Comment: This variant has not been reported in the literature in individuals affected with DICER1-related conditions. This variant is not present in population databases (gnomAD no frequency). This sequence change replaces proline, which is neutral and non-polar, with serine, which is neutral and polar, at codon 963 of the DICER1 protein (p.Pro963Ser). Algorithms developed to predict the effect of missense changes on protein structure and function are either unavailable or do not agree on the potential impact of this missense change (SIFT: "Tolerated"; PolyPhen-2: "Possibly Damaging"; Align-GVGD: "Class C0"). In summary, the available evidence is currently insufficient to determine the role of this variant in disease. Therefore, it has been classified as a Variant of Uncertain Significance.

NM_177438.3(DICER1):c.2887C>T (p.Pro963Ser)

Gene: DICER1 (dicer 1, ribonuclease III; minus strand). Cytogenetic location: 14q32.13.
Variant type: single nucleotide variant.
Coding change: c.2887C>T on transcript NM_177438.3 (MANE Select); coding-DNA position 2887, C replaced by T.
Protein change: p.Pro963Ser; replaces proline 963 with serine.
Molecular consequence: missense variant. On other transcripts: non-coding transcript variant (6).
Genome position (GRCh38, 1-based): chr14:95,106,141, G>A on the plus strand (C>T on the coding strand, the complement: DICER1 is on the minus strand). VCF-style: chr14-95106141-G-A. GRCh37 (hg19) VCF-style: chr14-95572478-G-A.
Other names: c.2887C>T, p.Pro963Ser (NM_001195573.1, NM_001271282.3, NM_001291628.2 and 13 more transcripts); c.2605C>T, p.Pro869Ser (NM_001395686.1); c.2482C>T, p.Pro828Ser (NM_001395687.1, NM_001395688.1, NM_001395689.1 and 2 more transcripts); c.2320C>T, p.Pro774Ser (NM_001395691.1); c.1204C>T, p.Pro402Ser (NM_001395697.1); short protein forms P869S, P402S, P828S, P963S, P774S.
Identifiers: ClinVar variation 1989586 (VCV001989586.4), dbSNP rs2542788201, ClinGen allele CA390879027.